The following is an entry in ClinVar:

ClinVar aggregate classification (germline): Pathogenic (1 of 4 stars; one submission).

Submission:

ISCA site 4
Classification: Pathogenic. Last evaluated: 2011-08-12. Review status: criteria provided, single submitter. Criteria: Kaminsky et al. (Genet Med. 2011). Collection method: clinical testing. Allele origin: unknown. Affected: yes. Observed: 1 variant allele.
Comment: Copy number variation identified through the course of routine clinical cytogenomic testing in postnatal populations. Clinical assertions have been curated as described in Kaminsky et al. 2011.

GRCh38/hg38 15q11.2-13.1(chr15:23319714-28314256)x1

Genes: ATP10A (ATPase phospholipid transporting 10A (putative); minus strand), ATP10A-DT (ATP10A divergent transcript; plus strand), GABRA5 (gamma-aminobutyric acid type A receptor subunit alpha5; plus strand), HERC2 (HECT and RLD domain containing E3 ubiquitin protein ligase 2; minus strand), GABRB3 (gamma-aminobutyric acid type A receptor subunit beta3; minus strand) and 140 more. Cytogenetic location: 15q11.2-13.1.
Variant type: copy number loss.
Change: copy number 1 (one copy instead of two) of chr15:23,319,714-28,314,256 (4.99 Mb, GRCh38 coordinates, 1-based), cytogenetic band 15q11.2-13.1.
Identifiers: ClinVar variation 57364 (VCV000057364.1).